The following is an entry in ClinVar:

NM_018129.4(PNPO):c.547-1G>A

Gene: PNPO (pyridoxamine 5'-phosphate oxidase; plus strand). Cytogenetic location: 17q21.32.
Variant type: single nucleotide variant.
Coding change: c.547-1G>A on transcript NM_018129.4 (MANE Select); the canonical splice acceptor site of the intron before coding-DNA position 547, G replaced by A.
Molecular consequence: splice acceptor variant.
Genome position (GRCh38, 1-based): chr17:47,946,322, G>A. VCF-style: chr17-47946322-G-A. GRCh37 (hg19) VCF-style: chr17-46023688-G-A.
Identifiers: ClinVar variation 2798104 (VCV002798104.4), dbSNP rs887046625, ClinGen allele CA291296851.

ClinVar aggregate classification (germline): Likely pathogenic. Review status: criteria provided, multiple submitters, no conflicts (2 of 4 stars). 2 submissions from 2 submitters: Likely pathogenic (2). Last evaluated 2025-10-27.

Conditions:
Pyridoxal phosphate-responsive seizures (PNPOD). Also called: EPILEPTIC ENCEPHALOPATHY, NEONATAL, PNPO-RELATED; SEIZURES, PYRIDOXINE-RESISTANT, PLP-SENSITIVE; Pyridoxamine 5-Prime-Phosphate Oxidase Deficiency; Pyridoxine-5'-phosphate oxidase deficiency; Pyridoxal 5'-Phosphate (PLP)-Dependent Epilepsy. Identifiers: Orphanet 79096, MedGen C1864723, MONDO:0012407, OMIM 610090. Disease mechanism: loss of function.

Allele frequency attached by ClinVar (database versions not stated): gnomAD exomes below 0.00001.
gnomAD v4.1: 1 of 1,609,340 alleles (0.000062%); highest among the groups gnomAD compares: African/African-American, 0.0013%; no homozygotes.

Submissions (2):

Laboratorio de Genetica e Diagnostico Molecular, Hospital Israelita Albert Einstein
Classification: Likely pathogenic for Pyridoxal phosphate-responsive seizures. Last evaluated: 2025-10-27. Review status: criteria provided, single submitter. Criteria: ACMG Guidelines, 2015. Collection method: clinical testing. Allele origin: germline. Affected: yes.
Comment: ACMG classification criteria: PVS1 very strong, PM2 supporting

Labcorp Genetics (formerly Invitae), Labcorp
Classification: Likely pathogenic for Pyridoxal phosphate-responsive seizures. Last evaluated: 2023-07-29. Review status: criteria provided, single submitter. Criteria: Invitae Variant Classification Sherloc (09022015). Collection method: clinical testing. Allele origin: germline.
Comment: This sequence change affects an acceptor splice site in intron 5 of the PNPO gene. It is expected to disrupt RNA splicing. Variants that disrupt the donor or acceptor splice site typically lead to a loss of protein function (PMID: 16199547), and loss-of-function variants in PNPO are known to be pathogenic (PMID: 15772097, 24645144). This variant is not present in population databases (gnomAD no frequency). This variant has not been reported in the literature in individuals affected with PNPO-related conditions. Algorithms developed to predict the effect of sequence changes on RNA splicing suggest that this variant may disrupt the consensus splice site. In summary, the currently available evidence indicates that the variant is pathogenic, but additional data are needed to prove that conclusively. Therefore, this variant has been classified as Likely Pathogenic.

Literature cited by the submitters: PubMed 16199547 (cited by Labcorp Genetics (formerly Invitae), Labcorp); PubMed 15772097 (cited by Labcorp Genetics (formerly Invitae), Labcorp); PubMed 24645144 (cited by Labcorp Genetics (formerly Invitae), Labcorp).